The following is an entry in ClinVar:

ClinVar aggregate classification (germline): Conflicting classifications of pathogenicity. Review status: criteria provided, conflicting classifications (1 of 4 stars). 5 submissions from 5 submitters: Uncertain significance (3); Likely benign (2). Last evaluated 2025-09-16.

Conditions:
Hereditary cancer-predisposing syndrome. Also called: Hereditary neoplastic syndrome; Tumor predisposition; Neoplastic Syndromes, Hereditary; Hereditary Cancer Syndrome. Identifiers: Orphanet 140162, MedGen C0027672, MeSH D009386, MONDO:0015356.
Hereditary nonpolyposis colorectal neoplasms. Identifiers: MedGen C0009405, MeSH D003123.
Endometrial carcinoma. Also called: Endometrial carcinoma, somatic. Identifiers: MedGen C0476089, MONDO:0002447, OMIM 608089, HP:0012114.

Allele frequency attached by ClinVar (database versions not stated): gnomAD exomes below 0.00001 and 0.00001; ExAC 0.00001.

Submissions (5):

Labcorp Genetics (formerly Invitae), Labcorp
Classification: Likely benign for Hereditary nonpolyposis colorectal neoplasms. Last evaluated: 2025-09-16. Review status: criteria provided, single submitter. Criteria: Invitae Variant Classification Sherloc (09022015). Collection method: clinical testing. Allele origin: germline.

Color Diagnostics, LLC DBA Color Health
Classification: Uncertain significance for Hereditary cancer-predisposing syndrome. Last evaluated: 2024-03-06. Review status: criteria provided, single submitter. Criteria: ACMG Guidelines, 2015. Collection method: clinical testing. Allele origin: germline.
Comment: This missense variant replaces asparagine with serine at codon 960 of the MSH6 protein. Computational prediction suggests that this variant may not impact protein structure and function (internally defined REVEL score threshold <= 0.5, PMID: 27666373). Splice site prediction tools suggest that this variant may not impact RNA splicing. To our knowledge, functional studies have not been performed for this variant. This variant has not been reported in individuals affected with hereditary cancer in the literature. This variant has been identified in 1/250190 chromosomes in the general population by the Genome Aggregation Database (gnomAD). The available evidence is insufficient to determine the role of this variant in disease conclusively. Therefore, this variant is classified as a Variant of Uncertain Significance.

Baylor Genetics
Classification: Uncertain significance for Endometrial carcinoma. Last evaluated: 2023-09-06. Review status: criteria provided, single submitter. Criteria: ACMG Guidelines, 2015. Collection method: clinical testing. Allele origin: unknown.

Ambry Genetics
Classification: Likely benign for Hereditary cancer-predisposing syndrome. Last evaluated: 2019-08-12. Review status: criteria provided, single submitter. Criteria: Ambry Variant Classification Scheme 2023. Collection method: clinical testing. Allele origin: germline.

GeneDx
Classification: Uncertain significance. Last evaluated: 2015-01-23. Review status: criteria provided, single submitter. Criteria: GeneDx Variant Classification (06012015). Collection method: clinical testing. Allele origin: germline. Affected: yes.
Comment: This variant is denoted MSH6 c.2879A>G at the cDNA level, p.Asn960Ser (N960S) at the protein level, and results in the change of an Asparagine to a Serine (AAC>AGC). This variant has not, to our knowledge, been published in the literature as pathogenic or benign. MSH6 Asn960Ser was not observed in approximately 6,500 individuals of European and African American ancestry in the NHLBI Exome Sequencing Project, indicating it is not a common benign variant in these populations. Since Asparagine and Serine share similar properties, this is considered a conservative amino acid substitution. MSH6 Asn960Ser occurs at a position that is variable across species and is located in the MutS domain (Terui 2013). In silico analyses predict that this variant is unlikely to alter protein structure or function. Based on currently available information, it is unclear whether MSH6 Asn960Ser is pathogenic or benign. We consider it to be a variant of uncertain significance.

NM_000179.3(MSH6):c.2879A>G (p.Asn960Ser)

Gene: MSH6 (mutS homolog 6; plus strand). Cytogenetic location: 2p16.3.
Variant type: single nucleotide variant.
Coding change: c.2879A>G on transcript NM_000179.3 (MANE Select); coding-DNA position 2879, A replaced by G.
Protein change: p.Asn960Ser; replaces asparagine 960 with serine.
Molecular consequence: missense variant.
Genome position (GRCh38, 1-based): chr2:47,800,862, A>G. VCF-style: chr2-47800862-A-G. GRCh37 (hg19) VCF-style: chr2-48028001-A-G.
Other names: c.2489A>G, p.Asn830Ser (NM_001281492.2); c.1973A>G, p.Asn658Ser (NM_001281493.2, NM_001281494.2); short protein forms N960S, N658S, N830S.
Identifiers: ClinVar variation 418329 (VCV000418329.14), dbSNP rs746341645, ClinGen allele CA069746.